The following is an entry in ClinVar:

NM_006767.4(LZTR1):c.1085G>A (p.Arg362Gln)

Gene: LZTR1 (leucine zipper like post translational regulator 1; plus strand). Cytogenetic location: 22q11.21.
Variant type: single nucleotide variant.
Coding change: c.1085G>A on transcript NM_006767.4 (MANE Select); coding-DNA position 1085, G replaced by A.
Protein change: p.Arg362Gln; replaces arginine 362 with glutamine.
Molecular consequence: missense variant.
Genome position (GRCh38, 1-based): chr22:20,992,305, G>A. VCF-style: chr22-20992305-G-A. GRCh37 (hg19) VCF-style: chr22-21346594-G-A.
Other names: short protein forms R362Q.
Identifiers: ClinVar variation 974972 (VCV000974972.8), dbSNP rs745476291, ClinGen allele CA10118716.
Genomic context (GRCh38, chr22:20,992,305, plus strand): 5'-GTGCTTCCGAGGAGGTGCCCACCCTGACCTATGAGGAGCGGGTTGGCTTCAAGAAGTCCC[G>A]AGATGTGTTTGGCCTGGACTTTGGCACCACCTCAGCCAAGCAGCCCACCCAGCCTGCCTC-3'
Protein context (NP_006758.2, residues 352-372): YEERVGFKKS[Arg362Gln]DVFGLDFGTT

ClinVar aggregate classification (germline): Conflicting classifications of pathogenicity. Review status: criteria provided, conflicting classifications (1 of 4 stars). 5 submissions from 5 submitters: Uncertain significance (4); Likely benign (1). Last evaluated 2026-03-23.

Conditions:
Cardiovascular phenotype. Identifiers: MedGen CN230736.
Hereditary cancer-predisposing syndrome. Also called: Hereditary Cancer Syndrome; Tumor predisposition; Neoplastic Syndromes, Hereditary; Hereditary neoplastic syndrome. Identifiers: Orphanet 140162, MedGen C0027672, MeSH D009386, MONDO:0015356.
LZTR1-related schwannomatosis. Also called: Schwannomatosis-2, susceptibility to; Schwannomatosis 2. Identifiers: Orphanet 93921, MedGen C3810283, MONDO:0014299, OMIM 615670.

Allele frequency attached by ClinVar (database versions not stated): gnomAD exomes 0.00001 and 0.00002; ExAC 0.00002; gnomAD 0.00002; TOPMed 0.00002.
gnomAD v4.1: 21 of 1,613,866 alleles (0.0013%); highest among the groups gnomAD compares: African/African-American, 0.004%; no homozygotes.

Submissions (5):

Ambry Genetics
Classification: Likely benign for Cardiovascular phenotype; Hereditary cancer-predisposing syndrome. Last evaluated: 2026-03-23. Review status: criteria provided, single submitter. Criteria: Ambry Variant Classification Scheme 2023. Collection method: clinical testing. Allele origin: germline.

Blueprint Genetics
Classification: Uncertain significance. Last evaluated: 2024-04-19. Review status: criteria provided, single submitter. Criteria: ACMG Guidelines, 2015. Collection method: clinical testing. Allele origin: germline.

Baylor Genetics
Classification: Uncertain significance for LZTR1-related schwannomatosis. Last evaluated: 2023-11-30. Review status: criteria provided, single submitter. Criteria: ACMG Guidelines, 2015. Collection method: clinical testing. Allele origin: unknown.

Labcorp Genetics (formerly Invitae), Labcorp
Classification: Uncertain significance. Last evaluated: 2023-08-24. Review status: criteria provided, single submitter. Criteria: Invitae Variant Classification Sherloc (09022015). Collection method: clinical testing. Allele origin: germline.
Comment: This sequence change replaces arginine, which is basic and polar, with glutamine, which is neutral and polar, at codon 362 of the LZTR1 protein (p.Arg362Gln). This variant is present in population databases (rs745476291, gnomAD 0.003%). This variant has not been reported in the literature in individuals affected with LZTR1-related conditions. ClinVar contains an entry for this variant (Variation ID: 974972). Advanced modeling of protein sequence and biophysical properties (such as structural, functional, and spatial information, amino acid conservation, physicochemical variation, residue mobility, and thermodynamic stability) performed at Invitae indicates that this missense variant is not expected to disrupt LZTR1 protein function. In summary, the available evidence is currently insufficient to determine the role of this variant in disease. Therefore, it has been classified as a Variant of Uncertain Significance.

Women's Health and Genetics/Laboratory Corporation of America, LabCorp
Classification: Uncertain significance. Last evaluated: 2020-07-20. Review status: criteria provided, single submitter. Criteria: LabCorp Variant Classification Summary - May 2015. Collection method: clinical testing. Allele origin: germline.
Comment: Variant summary: LZTR1 c.1085G>A (p.Arg362Gln) results in a conservative amino acid change in the encoded protein sequence. Five of five in-silico tools predict a benign effect of the variant on protein function. The variant allele was found at a frequency of 1.6e-05 in 251044 control chromosomes. The available data on variant occurrences in the general population are insufficient to allow any conclusion about variant significance. To our knowledge, no occurrence of c.1085G>A in individuals affected with Noonan Syndrome and no experimental evidence demonstrating its impact on protein function have been reported. No clinical diagnostic laboratories have submitted clinical-significance assessments for this variant to ClinVar after 2014. Based on the evidence outlined above, the variant was classified as uncertain significance.